The following is an entry in ClinVar:

NM_016213.5(TRIP4):c.1517G>T (p.Cys506Phe)

Gene: TRIP4 (thyroid hormone receptor interactor 4; plus strand). Cytogenetic location: 15q22.31.
Variant type: single nucleotide variant.
Coding change: c.1517G>T on transcript NM_016213.5 (MANE Select); coding-DNA position 1517, G replaced by T.
Protein change: p.Cys506Phe; replaces cysteine 506 with phenylalanine.
Molecular consequence: missense variant. On other transcripts: non-coding transcript variant (1).
Genome position (GRCh38, 1-based): chr15:64,425,573, G>T. VCF-style: chr15-64425573-G-T. GRCh37 (hg19) VCF-style: chr15-64717772-G-T.
Other names: c.827G>T, p.Cys276Phe (NM_001321924.2); short protein forms C276F, C506F.
Identifiers: ClinVar variation 1992184 (VCV001992184.4), dbSNP rs780853759, ClinGen allele CA7609692.

ClinVar aggregate classification (germline): Uncertain significance (1 of 4 stars; one submission).

Allele frequency attached by ClinVar (database versions not stated): gnomAD exomes below 0.00001; ExAC 0.00001; gnomAD 0.00001.
gnomAD v4.1: 3 of 1,612,500 alleles (0.00019%); highest among the groups gnomAD compares: Non-Finnish European, 0.00025%; no homozygotes.

Submission:

Labcorp Genetics (formerly Invitae), Labcorp
Classification: Uncertain significance. Last evaluated: 2022-07-17. Review status: criteria provided, single submitter. Criteria: Invitae Variant Classification Sherloc (09022015). Collection method: clinical testing. Allele origin: germline.
Comment: This sequence change replaces cysteine, which is neutral and slightly polar, with phenylalanine, which is neutral and non-polar, at codon 506 of the TRIP4 protein (p.Cys506Phe). In summary, the available evidence is currently insufficient to determine the role of this variant in disease. Therefore, it has been classified as a Variant of Uncertain Significance. Algorithms developed to predict the effect of missense changes on protein structure and function are either unavailable or do not agree on the potential impact of this missense change (SIFT: "Deleterious"; PolyPhen-2: "Possibly Damaging"; Align-GVGD: "Class C0"). This variant has not been reported in the literature in individuals affected with TRIP4-related conditions. This variant is present in population databases (rs780853759, gnomAD 0.0009%).